The following is an entry in ClinVar:

ClinVar aggregate classification (germline): Uncertain significance. Review status: criteria provided, multiple submitters, no conflicts (2 of 4 stars). 3 submissions from 3 submitters: Uncertain significance (2). 1 of the submissions does not count toward it. Last evaluated 2025-08-29.

Conditions:
Congenital myasthenic syndrome 17. Identifiers: Orphanet 590, MedGen C4225377, MONDO:0014578, OMIM 616304.
Cenani-Lenz syndactyly syndrome. Also called: SYNDACTYLY, TYPE VII; CENANI SYNDACTYLISM. Identifiers: Orphanet 3258, MedGen C1859309, MONDO:0008931, OMIM 212780.
Sclerosteosis 2 (SOST2). Identifiers: Orphanet 3152, MedGen C3280402, MONDO:0013679, OMIM 614305.
Meniere disease. Also called: Ménière's disease. Identifiers: MedGen C0025281, MONDO:0007972, OMIM 156000.
Inborn genetic diseases. Identifiers: MedGen C0950123, MeSH D030342.

Allele frequency attached by ClinVar (database versions not stated): gnomAD 0.00001; TOPMed 0.00001; gnomAD exomes 0.00004.
gnomAD v4.1: 66 of 1,613,874 alleles (0.0041%); highest among the groups gnomAD compares: Non-Finnish European, 0.005%; no homozygotes.

Submissions (3):

Ambry Genetics
Classification: Uncertain significance for Inborn genetic diseases. Last evaluated: 2025-08-29. Review status: criteria provided, single submitter. Criteria: Ambry Variant Classification Scheme 2023. Collection method: clinical testing. Allele origin: germline.

Labcorp Genetics (formerly Invitae), Labcorp
Classification: Uncertain significance for Cenani-Lenz syndactyly syndrome; Sclerosteosis 2; Congenital myasthenic syndrome 17. Last evaluated: 2022-09-01. Review status: criteria provided, single submitter. Criteria: Invitae Variant Classification Sherloc (09022015). Collection method: clinical testing. Allele origin: germline.
Comment: In summary, the available evidence is currently insufficient to determine the role of this variant in disease. Therefore, it has been classified as a Variant of Uncertain Significance. Algorithms developed to predict the effect of missense changes on protein structure and function are either unavailable or do not agree on the potential impact of this missense change (SIFT: "Deleterious"; PolyPhen-2: "Possibly Damaging"; Align-GVGD: "Class C0"). This variant has not been reported in the literature in individuals affected with LRP4-related conditions. This variant is present in population databases (no rsID available, gnomAD 0.007%). This sequence change replaces leucine, which is neutral and non-polar, with arginine, which is basic and polar, at codon 497 of the LRP4 protein (p.Leu497Arg).

Center for Computational Biology & Bioinformatics, University of California, San Diego
Classification: Uncertain significance for Meniere disease. Last evaluated: 2024-06-03. Review status: no assertion criteria provided. Collection method: research. Allele origin: germline. Affected: yes. Not counted in ClinVar's aggregate classification.

NM_002334.4(LRP4):c.1490T>G (p.Leu497Arg)

Gene: LRP4 (LDL receptor related protein 4; minus strand). Cytogenetic location: 11p11.2.
Variant type: single nucleotide variant.
Coding change: c.1490T>G on transcript NM_002334.4 (MANE Select); coding-DNA position 1490, T replaced by G.
Protein change: p.Leu497Arg; replaces leucine 497 with arginine.
Molecular consequence: missense variant.
Genome position (GRCh38, 1-based): chr11:46,894,639, A>C on the plus strand (T>G on the coding strand, the complement: LRP4 is on the minus strand). VCF-style: chr11-46894639-A-C. GRCh37 (hg19) VCF-style: chr11-46916190-A-C.
Other names: short protein forms L497R.
Identifiers: ClinVar variation 2055933 (VCV002055933.7), dbSNP rs1347613812, ClinGen allele CA380285208.